The following is an entry in ClinVar:

NM_021927.3(GUF1):c.1902G>C (p.Lys634Asn)

Gene: GUF1 (GTP binding elongation factor GUF1; plus strand). Cytogenetic location: 4p12.
Variant type: single nucleotide variant.
Coding change: c.1902G>C on transcript NM_021927.3 (MANE Select); coding-DNA position 1902, G replaced by C.
Protein change: p.Lys634Asn; replaces lysine 634 with asparagine.
Molecular consequence: missense variant.
Genome position (GRCh38, 1-based): chr4:44,698,573, G>C. VCF-style: chr4-44698573-G-C. GRCh37 (hg19) VCF-style: chr4-44700590-G-C.
Other names: c.930G>C, p.Lys310Asn (NM_001345867.2, NM_001345869.2); c.1782G>C, p.Lys594Asn (NM_001345868.2); short protein forms K594N, K634N, K310N.
Identifiers: ClinVar variation 1422835 (VCV001422835.8), dbSNP rs199881930, ClinGen allele CA2905822.
Genomic context (GRCh38, chr4:44,698,573, plus strand): 5'-TAGACTTCCAATGTTTTAAAATATTTTTCAGTATGGTGGTGATATTACCCGAAAAATGAA[G>C]CTTTTGAAGAGACAAGCAGAAGGGAAAAAAAAGCTGAGGAAAATTGGCAACGTTGAAGTT-3'
Protein context (NP_068746.2, residues 624-644): CYGGDITRKM[Lys634Asn]LLKRQAEGKK

ClinVar aggregate classification (germline): Uncertain significance (1 of 4 stars; one submission).

Allele frequency attached by ClinVar (database versions not stated): gnomAD exomes 0.00002; ExAC 0.00003; gnomAD 0.00009; TOPMed 0.00015; 1000 Genomes Project 0.00040; 1000 Genomes Project 30x 0.00047.
gnomAD v4.1: 42 of 1,602,406 alleles (0.0026%); highest among the groups gnomAD compares: African/African-American, 0.023%; no homozygotes.

Submission:

Labcorp Genetics (formerly Invitae), Labcorp
Classification: Uncertain significance. Last evaluated: 2025-01-17. Review status: criteria provided, single submitter. Criteria: Invitae Variant Classification Sherloc (09022015). Collection method: clinical testing. Allele origin: germline.
Comment: This sequence change replaces lysine, which is basic and polar, with asparagine, which is neutral and polar, at codon 634 of the GUF1 protein (p.Lys634Asn). This variant is present in population databases (rs199881930, gnomAD 0.02%). This variant has not been reported in the literature in individuals affected with GUF1-related conditions. ClinVar contains an entry for this variant (Variation ID: 1422835). An algorithm developed to predict the effect of missense changes on protein structure and function (PolyPhen-2) suggests that this variant is likely to be disruptive. In summary, the available evidence is currently insufficient to determine the role of this variant in disease. Therefore, it has been classified as a Variant of Uncertain Significance.